The following is an entry in ClinVar:

ClinVar aggregate classification (germline): Pathogenic (1 of 4 stars; one submission).

Conditions:
Cardiovascular phenotype. Identifiers: MedGen CN230736.

Submission:

Ambry Genetics
Classification: Pathogenic for Cardiovascular phenotype. Last evaluated: 2024-03-26. Review status: criteria provided, single submitter. Criteria: Ambry Variant Classification Scheme 2023. Collection method: clinical testing. Allele origin: germline.
Comment: The c.3448dupA (p.R1150Kfs*19) alteration, located in exon 31 (coding exon 31) of the MYBPC3 gene, consists of a duplication of A at position 3448, causing a translational frameshift with a predicted alternate stop codon after 19 amino acids. This alteration is expected to result in loss of function by premature protein truncation or nonsense-mediated mRNA decay. This variant was not reported in population-based cohorts in the Genome Aggregation Database (gnomAD). Based on the available evidence, this alteration is classified as pathogenic.

NM_000256.3(MYBPC3):c.3448dup (p.Arg1150fs)

Gene: MYBPC3 (myosin binding protein C3; minus strand). Cytogenetic location: 11p11.2.
Variant type: Duplication.
Coding change: c.3448dup on transcript NM_000256.3 (MANE Select); coding-DNA position 3448, one base duplicated (A; older notation c.3448dupA).
Protein change: p.Arg1150fs; shifts the reading frame from arginine 1150.
Molecular consequence: frameshift variant.
Genome position (GRCh38, 1-based): chr11:47,332,856, T duplicated on the plus strand (A on the coding strand, the reverse complement: MYBPC3 is on the minus strand). VCF-style (leftmost placement, unchanged base first): chr11-47332855-C-CT. GRCh37 (hg19) VCF-style: chr11-47354406-C-CT.
Other names: c.3448dupA (NM_000256.3); short protein forms R1150fs.
Identifiers: ClinVar variation 3297235 (VCV003297235.1).